The following is an entry in ClinVar:

ClinVar aggregate classification (germline): Uncertain significance. Review status: criteria provided, multiple submitters, no conflicts (2 of 4 stars). 3 submissions from 3 submitters: Uncertain significance (3). Last evaluated 2025-02-03.

Conditions:
Hereditary breast ovarian cancer syndrome. Also called: BRCA1- and BRCA2-Associated Hereditary Breast and Ovarian Cancer; Hereditary breast and ovarian cancer; Hereditary breast and/or ovarian cancer syndrome; Hereditary breast and ovarian cancer syndrome; Hereditary breast and ovarian cancer syndrome (HBOC); Breast and ovarian cancer. Identifiers: Orphanet 145, MedGen C0677776, MeSH D061325, MONDO:0003582. Disease mechanism: loss of function.
Hereditary cancer-predisposing syndrome. Also called: Neoplastic Syndromes, Hereditary; Hereditary Cancer Syndrome; Tumor predisposition; Hereditary neoplastic syndrome. Identifiers: Orphanet 140162, MedGen C0027672, MeSH D009386, MONDO:0015356.

Allele frequency attached by ClinVar (database versions not stated): TOPMed 0.00001.
gnomAD v4.1: 1 of 1,613,910 alleles (0.000062%); highest among the groups gnomAD compares: Non-Finnish European, 0.000085%; no homozygotes.

Submissions (3):

Labcorp Genetics (formerly Invitae), Labcorp
Classification: Uncertain significance for Hereditary breast ovarian cancer syndrome. Last evaluated: 2025-02-03. Review status: criteria provided, single submitter. Criteria: Invitae Variant Classification Sherloc (09022015). Collection method: clinical testing. Allele origin: germline.
Comment: This sequence change replaces leucine, which is neutral and non-polar, with glutamine, which is neutral and polar, at codon 3101 of the BRCA2 protein (p.Leu3101Gln). This variant is not present in population databases (gnomAD no frequency). This variant has not been reported in the literature in individuals affected with BRCA2-related conditions. ClinVar contains an entry for this variant (Variation ID: 573951). Invitae Evidence Modeling of protein sequence and biophysical properties (such as structural, functional, and spatial information, amino acid conservation, physicochemical variation, residue mobility, and thermodynamic stability) indicates that this missense variant is not expected to disrupt BRCA2 protein function with a negative predictive value of 95%. This variant disrupts the p.Leu3101 amino acid residue in BRCA2. Other variant(s) that disrupt this residue have been determined to be pathogenic (external communication, internal data). This suggests that this residue is clinically significant, and that variants that disrupt this residue are likely to be disease-causing. In summary, the available evidence is currently insufficient to determine the role of this variant in disease. Therefore, it has been classified as a Variant of Uncertain Significance.

Color Diagnostics, LLC DBA Color Health
Classification: Uncertain significance for Hereditary cancer-predisposing syndrome. Last evaluated: 2024-10-29. Review status: criteria provided, single submitter. Criteria: ACMG Guidelines, 2015. Collection method: clinical testing. Allele origin: germline.
Comment: This missense variant replaces leucine with glutamine at codon 3101 of the BRCA2 protein. Computational prediction is inconclusive regarding the impact of this variant on protein structure and function. To our knowledge, functional studies have not been reported for this variant. This variant has been detected in a breast cancer case-control meta-analysis in 0/60466 cases and 1/53461 unaffected individuals (PMID: 33471991Leiden Open Variation Database DB-ID BRCA2_008750). A different missense at this codon, c.9302T>G (p.Leu3101Arg), has been reported as (likely) disease-causing in ClinVar and as a possible reduced penetrance variant (PMID: 39488595ClinVar variation ID: 38230). This variant has not been identified in the general population by the Genome Aggregation Database (gnomAD). The available evidence is insufficient to determine the role of this variant in disease conclusively. Therefore, this variant is classified as a Variant of Uncertain Significance.

Ambry Genetics
Classification: Uncertain significance for Hereditary cancer-predisposing syndrome. Last evaluated: 2023-09-14. Review status: criteria provided, single submitter. Criteria: Ambry Variant Classification Scheme 2023. Collection method: clinical testing. Allele origin: germline.
Comment: The p.L3101Q variant (also known as c.9302T>A), located in coding exon 24 of the BRCA2 gene, results from a T to A substitution at nucleotide position 9302. The leucine at codon 3101 is replaced by glutamine, an amino acid with dissimilar properties. This variant was identified in 1/882 Chinese individuals who underwent multi-gene panel testing for HBOC risk assessment (Shao D et al. Cancer Sci, 2020 Feb;111:647-657). This amino acid position is well conserved in available vertebrate species. In addition, this alteration is predicted to be deleterious by in silico analysis. Since supporting evidence is limited at this time, the clinical significance of this alteration remains unclear.

Literature cited by the submitters: PubMed 33471991 (cited by Color Diagnostics, LLC DBA Color Health); PubMed 39488595 (cited by Color Diagnostics, LLC DBA Color Health); PubMed 31742824 (cited by Ambry Genetics).

NM_000059.4(BRCA2):c.9302T>A (p.Leu3101Gln)

Gene: BRCA2 (BRCA2 DNA repair associated; plus strand). Cytogenetic location: 13q13.1.
Variant type: single nucleotide variant.
Coding change: c.9302T>A on transcript NM_000059.4 (MANE Select); coding-DNA position 9302, T replaced by A.
Protein change: p.Leu3101Gln; replaces leucine 3101 with glutamine.
Molecular consequence: missense variant.
Genome position (GRCh38, 1-based): chr13:32,394,734, T>A. VCF-style: chr13-32394734-T-A. GRCh37 (hg19) VCF-style: chr13-32968871-T-A.
Other names: short protein forms L3101Q.
Identifiers: ClinVar variation 573951 (VCV000573951.15), dbSNP rs28897758, ClinGen allele CA387760892.
Genomic context (GRCh38, chr13:32,394,734, plus strand): 5'-TTTTTTCCATTCTAGGACTTGCCCCTTTCGTCTATTTGTCAGACGAATGTTACAATTTAC[T>A]GGCAATAAAGTTTTGGATAGACCTTAATGAGGACATTATTAAGCCTCATATGTTAATTGC-3'
Protein context (NP_000050.3, residues 3091-3111): VYLSDECYNL[Leu3101Gln]AIKFWIDLNE